The following is an entry in ClinVar:

NM_014806.5(RUSC2):c.2618G>A (p.Gly873Glu)

Gene: RUSC2 (RUN and SH3 domain containing 2; plus strand). Cytogenetic location: 9p13.3.
Variant type: single nucleotide variant.
Coding change: c.2618G>A on transcript NM_014806.5 (MANE Select); coding-DNA position 2618, G replaced by A.
Protein change: p.Gly873Glu; replaces glycine 873 with glutamic acid.
Molecular consequence: missense variant. On other transcripts: 5 prime UTR variant (1), non-coding transcript variant (1).
Genome position (GRCh38, 1-based): chr9:35,555,663, G>A. VCF-style: chr9-35555663-G-A. GRCh37 (hg19) VCF-style: chr9-35555660-G-A.
Other names: c.2618G>A, p.Gly873Glu (NM_001135999.2); c.-17G>A (NM_001330740.2); short protein forms G873E.
Identifiers: ClinVar variation 1355228 (VCV001355228.4), dbSNP rs908789140, ClinGen allele CA192751512.

ClinVar aggregate classification (germline): Uncertain significance (1 of 4 stars; one submission).

Allele frequency attached by ClinVar (database versions not stated): TOPMed below 0.00001; gnomAD exomes 0.00001.
gnomAD v4.1: 2 of 1,604,088 alleles (0.00012%); highest among the groups gnomAD compares: Admixed American, 0.0017%; no homozygotes.

Submission:

Labcorp Genetics (formerly Invitae), Labcorp
Classification: Uncertain significance. Last evaluated: 2026-02-02. Review status: criteria provided, single submitter. Criteria: Invitae Variant Classification Sherloc (09022015). Collection method: clinical testing. Allele origin: germline.
Comment: This sequence change replaces glycine, which is neutral and non-polar, with glutamic acid, which is acidic and polar, at codon 873 of the RUSC2 protein (p.Gly873Glu). This variant is present in population databases (no rsID available, gnomAD 0.003%). This variant has not been reported in the literature in individuals affected with RUSC2-related conditions. ClinVar contains an entry for this variant (Variation ID: 1355228). An algorithm developed to predict the effect of missense changes on protein structure and function (PolyPhen-2) suggests that this variant is likely to be disruptive. In summary, the available evidence is currently insufficient to determine the role of this variant in disease. Therefore, it has been classified as a Variant of Uncertain Significance.